The following is an entry in ClinVar:

NM_017763.6(RNF43):c.1986G>A (p.Glu662=)

Gene: RNF43 (ring finger protein 43; minus strand). Cytogenetic location: 17q22.
Variant type: single nucleotide variant.
Coding change: c.1986G>A on transcript NM_017763.6 (MANE Select); coding-DNA position 1986, G replaced by A.
Protein change: p.Glu662=; no amino-acid change (glutamic acid 662 retained).
Molecular consequence: synonymous variant.
Genome position (GRCh38, 1-based): chr17:58,357,790, C>T on the plus strand (G>A on the coding strand, the complement: RNF43 is on the minus strand). VCF-style: chr17-58357790-C-T. GRCh37 (hg19) VCF-style: chr17-56435151-C-T.
Other names: c.1986G>A, p.Glu662= (NM_001305544.3, NM_001438820.1, NM_001438821.1 and 1 more transcripts); c.1605G>A, p.Glu535= (NM_001305545.2, NM_001437987.1).
Identifiers: ClinVar variation 5042376 (VCV005042376.1).

ClinVar aggregate classification (germline): Benign (1 of 4 stars; one submission).

Conditions:
Sessile serrated polyposis cancer syndrome (SSPCS). Identifiers: Orphanet 157798, MedGen C4310714, MONDO:0014919, OMIM 617108.

Submission:

Myriad Genetics, Inc.
Classification: Benign for Sessile serrated polyposis cancer syndrome. Last evaluated: 2026-07-02. Review status: criteria provided, single submitter. Criteria: Myriad Autosomal Dominant, Autosomal Recessive and X-Linked Classification Criteria (2023). Collection method: clinical testing. Allele origin: unknown.
Comment: This variant is considered benign. This variant is a silent/synonymous amino acid change and it is not expected to impact splicing.